The following is an entry in ClinVar:

ClinVar aggregate classification (germline): Uncertain significance (1 of 4 stars; one submission).

Conditions:
Hyperaldosteronism, familial, type IV (HALD4). Also called: FH IV; ALDOSTERONISM, PRIMARY, AND HYPERTENSION. Identifiers: Orphanet 642671, MedGen C4310756, MONDO:0014875, OMIM 617027.
Idiopathic generalized epilepsy. Also called: Generalised epilepsy; EIG. Identifiers: MedGen C0270850, MONDO:0005579, OMIM 600669.

gnomAD v4.1: 8 of 1,613,118 alleles (0.0005%); highest among the groups gnomAD compares: South Asian, 0.0044%; no homozygotes.

Submission:

Labcorp Genetics (formerly Invitae), Labcorp
Classification: Uncertain significance for Idiopathic generalized epilepsy; Hyperaldosteronism, familial, type IV. Last evaluated: 2025-06-12. Review status: criteria provided, single submitter. Criteria: Invitae Variant Classification Sherloc (09022015). Collection method: clinical testing. Allele origin: germline.
Comment: This sequence change replaces valine, which is neutral and non-polar, with isoleucine, which is neutral and non-polar, at codon 1434 of the CACNA1H protein (p.Val1434Ile). This variant is not present in population databases (gnomAD no frequency). This variant has not been reported in the literature in individuals affected with CACNA1H-related conditions. Invitae Evidence Modeling of protein sequence and biophysical properties (such as structural, functional, and spatial information, amino acid conservation, physicochemical variation, residue mobility, and thermodynamic stability) indicates that this missense variant is expected to disrupt CACNA1H protein function with a positive predictive value of 80%. In summary, the available evidence is currently insufficient to determine the role of this variant in disease. Therefore, it has been classified as a Variant of Uncertain Significance.

NM_021098.3(CACNA1H):c.4300G>A (p.Val1434Ile)

Gene: CACNA1H (calcium voltage-gated channel subunit alpha1 H; plus strand). Cytogenetic location: 16p13.3.
Variant type: single nucleotide variant.
Coding change: c.4300G>A on transcript NM_021098.3 (MANE Select); coding-DNA position 4300, G replaced by A.
Protein change: p.Val1434Ile; replaces valine 1434 with isoleucine.
Molecular consequence: missense variant.
Genome position (GRCh38, 1-based): chr16:1,211,244, G>A. VCF-style: chr16-1211244-G-A. GRCh37 (hg19) VCF-style: chr16-1261244-G-A.
Other names: c.4300G>A, p.Val1434Ile (NM_001005407.2); short protein forms V1434I.
Identifiers: ClinVar variation 4788969 (VCV004788969.1).
Genomic context (GRCh38, chr16:1,211,244, plus strand): 5'-CCGGGCCTCAAGCTGGTGGTGGAGACGCTGATATCATCACTCAGGCCCATTGGGAACATC[G>A]TCCTCATCTGCTGCGCCTTCTTCATCATTTTTGGCATTTTGGGTGTGCAGGTGTGTGGCC-3'
Protein context (NP_066921.2, residues 1424-1444): ISSLRPIGNI[Val1434Ile]LICCAFFIIF